The following is an entry in ClinVar:

NM_001134363.3(RBM20):c.2338G>A (p.Gly780Arg)

Gene: RBM20 (RNA binding motif protein 20; plus strand). Cytogenetic location: 10q25.2.
Variant type: single nucleotide variant.
Coding change: c.2338G>A on transcript NM_001134363.3 (MANE Select); coding-DNA position 2338, G replaced by A.
Protein change: p.Gly780Arg; replaces glycine 780 with arginine.
Molecular consequence: missense variant.
Genome position (GRCh38, 1-based): chr10:110,812,735, G>A. VCF-style: chr10-110812735-G-A. GRCh37 (hg19) VCF-style: chr10-112572493-G-A.
Other names: short protein forms G780R.
Identifiers: ClinVar variation 229193 (VCV000229193.16), dbSNP rs750988872, ClinGen allele CA5688685.

ClinVar aggregate classification (germline): Conflicting classifications of pathogenicity. Review status: criteria provided, conflicting classifications (1 of 4 stars). 4 submissions from 4 submitters: Uncertain significance (3); Likely benign (1). Last evaluated 2025-09-28.

Conditions:
Cardiovascular phenotype. Identifiers: MedGen CN230736.
Dilated cardiomyopathy 1DD (CMD1DD). Identifiers: Orphanet 154, MedGen C2750995, MONDO:0013168, OMIM 613172.

Allele frequency attached by ClinVar (database versions not stated): gnomAD 0.00001 and 0.00002; TOPMed 0.00001; gnomAD exomes 0.00004; ExAC 0.00009.
gnomAD v4.1: 32 of 1,551,620 alleles (0.0021%); highest among the groups gnomAD compares: Middle Eastern, 0.017%; no homozygotes.

Submissions (4):

Labcorp Genetics (formerly Invitae), Labcorp
Classification: Likely benign for Dilated cardiomyopathy 1DD. Last evaluated: 2025-09-28. Review status: criteria provided, single submitter. Criteria: Invitae Variant Classification Sherloc (09022015). Collection method: clinical testing. Allele origin: germline.

Ambry Genetics
Classification: Uncertain significance for Cardiovascular phenotype. Last evaluated: 2024-07-01. Review status: criteria provided, single submitter. Criteria: Ambry Variant Classification Scheme 2023. Collection method: clinical testing. Allele origin: germline.
Comment: The p.G780R variant (also known as c.2338G>A), located in coding exon 9 of the RBM20 gene, results from a G to A substitution at nucleotide position 2338. The glycine at codon 780 is replaced by arginine, an amino acid with dissimilar properties. This amino acid position is conserved. In addition, this alteration is predicted to be tolerated by in silico analysis. Based on the available evidence, the clinical significance of this variant remains unclear.

GeneDx
Classification: Uncertain significance. Last evaluated: 2024-01-25. Review status: criteria provided, single submitter. Criteria: GeneDx Variant Classification Process June 2021. Collection method: clinical testing. Allele origin: germline. Affected: yes.
Comment: Has not been previously published as pathogenic or benign to our knowledge; In silico analysis supports that this missense variant has a deleterious effect on protein structure/function

Laboratory for Molecular Medicine, Mass General Brigham Personalized Medicine
Classification: Uncertain significance. Last evaluated: 2015-06-03. Review status: criteria provided, single submitter. Criteria: LMM Criteria. Collection method: clinical testing. Allele origin: germline. Observed: 1 variant allele.
Comment: The p.Gly780Arg variant in RBM20 has not been previously reported in individuals with cardiomyopathy, but has been identified in 2/7908 South Asian chromosomes by the Exome Aggregation Consortium (ExAC). Comp utational prediction tools and conservation analysis do not provide strong suppo rt for or against an impact to the protein. In summary, the clinical significanc e of the p.Gly780Arg variant is uncertain.